The following is an entry in ClinVar:

ClinVar aggregate classification (germline): Uncertain significance (1 of 4 stars; one submission).

Conditions:
Ehlers-Danlos syndrome, classic type, 1 (EDSCL1). Also called: Ehlers-Danlos Syndrome, Classic Type, COL5A1-Related; EHLERS-DANLOS SYNDROME, GRAVIS TYPE; EHLERS-DANLOS SYNDROME, SEVERE CLASSIC TYPE; Ehlers-Danlos syndrome, type 1; EDS I. Identifiers: MedGen C0268335, MONDO:0019567, OMIM 130000.

Submission:

Labcorp Genetics (formerly Invitae), Labcorp
Classification: Uncertain significance for Ehlers-Danlos syndrome, classic type, 1. Last evaluated: 2022-04-24. Review status: criteria provided, single submitter. Criteria: Invitae Variant Classification Sherloc (09022015). Collection method: clinical testing. Allele origin: germline.
Comment: In summary, the available evidence is currently insufficient to determine the role of this variant in disease. Therefore, it has been classified as a Variant of Uncertain Significance. Advanced modeling of protein sequence and biophysical properties (such as structural, functional, and spatial information, amino acid conservation, physicochemical variation, residue mobility, and thermodynamic stability) performed at Invitae indicates that this missense variant is not expected to disrupt COL5A2 protein function. This variant has not been reported in the literature in individuals affected with COL5A2-related conditions. This variant is not present in population databases (gnomAD no frequency). This sequence change replaces alanine, which is neutral and non-polar, with glutamic acid, which is acidic and polar, at codon 6 of the COL5A2 protein (p.Ala6Glu).

NM_000393.5(COL5A2):c.17C>A (p.Ala6Glu)

Gene: COL5A2 (collagen type V alpha 2 chain; minus strand). Cytogenetic location: 2q32.2.
Variant type: single nucleotide variant.
Coding change: c.17C>A on transcript NM_000393.5 (MANE Select); coding-DNA position 17, C replaced by A.
Protein change: p.Ala6Glu; replaces alanine 6 with glutamic acid.
Molecular consequence: missense variant.
Genome position (GRCh38, 1-based): chr2:189,179,588, G>T on the plus strand (C>A on the coding strand, the complement: COL5A2 is on the minus strand). VCF-style: chr2-189179588-G-T. GRCh37 (hg19) VCF-style: chr2-190044314-G-T.
Other names: short protein forms A6E.
Identifiers: ClinVar variation 2130360 (VCV002130360.4), dbSNP rs2469601925, ClinGen allele CA349986333.
Genomic context (GRCh38, chr2:189,179,588, plus strand): 5'-GCTTTTATTGAGACAAATTGCCCTAATAAAACAATAAGAATGAGGAGAGGTCTTGCTTCC[G>T]CCCAGTTTGCCATCATGTCTAAATATTAGACATGTGGGTTCTCCTGAGAGTGAAAAGTAG-3'
Protein context (NP_000384.2, residues 1-16): MMANW[Ala6Glu]EARPLLILIV